The following is an entry in ClinVar:

ClinVar aggregate classification (germline): Uncertain significance. Review status: criteria provided, multiple submitters, no conflicts (2 of 4 stars). 2 submissions from 2 submitters: Uncertain significance (2). Last evaluated 2025-08-20.

Conditions:
Inborn genetic diseases. Identifiers: MedGen C0950123, MeSH D030342.

gnomAD v4.1: 15 of 1,608,802 alleles (0.00093%); highest among the groups gnomAD compares: Admixed American, 0.013%; no homozygotes.

Submissions (2):

Ambry Genetics
Classification: Uncertain significance for Inborn genetic diseases. Last evaluated: 2025-08-20. Review status: criteria provided, single submitter. Criteria: Ambry Variant Classification Scheme 2023. Collection method: clinical testing. Allele origin: germline.

Labcorp Genetics (formerly Invitae), Labcorp
Classification: Uncertain significance. Last evaluated: 2025-05-01. Review status: criteria provided, single submitter. Criteria: Invitae Variant Classification Sherloc (09022015). Collection method: clinical testing. Allele origin: germline.
Comment: This sequence change replaces isoleucine, which is neutral and non-polar, with valine, which is neutral and non-polar, at codon 888 of the MYO5B protein (p.Ile888Val). This variant is present in population databases (rs774374760, gnomAD 0.006%). This variant has not been reported in the literature in individuals affected with MYO5B-related conditions. Invitae Evidence Modeling of protein sequence and biophysical properties (such as structural, functional, and spatial information, amino acid conservation, physicochemical variation, residue mobility, and thermodynamic stability) indicates that this missense variant is not expected to disrupt MYO5B protein function with a negative predictive value of 80%. In summary, the available evidence is currently insufficient to determine the role of this variant in disease. Therefore, it has been classified as a Variant of Uncertain Significance.

NM_001080467.3(MYO5B):c.2662A>G (p.Ile888Val)

Gene: MYO5B (myosin VB; minus strand). Cytogenetic location: 18q21.1.
Variant type: single nucleotide variant.
Coding change: c.2662A>G on transcript NM_001080467.3 (MANE Select); coding-DNA position 2662, A replaced by G.
Protein change: p.Ile888Val; replaces isoleucine 888 with valine.
Molecular consequence: missense variant.
Genome position (GRCh38, 1-based): chr18:49,902,743, T>C on the plus strand (A>G on the coding strand, the complement: MYO5B is on the minus strand). VCF-style: chr18-49902743-T-C. GRCh37 (hg19) VCF-style: chr18-47429113-T-C.
Other names: short protein forms I888V.
Identifiers: ClinVar variation 4115648 (VCV004115648.2).